The following is an entry in ClinVar:

ClinVar aggregate classification (germline): Conflicting classifications of pathogenicity. Review status: criteria provided, conflicting classifications (1 of 4 stars). 11 submissions from 9 submitters: Uncertain significance (5); Benign (1); Likely benign (3). 2 of the submissions do not count toward it. Last evaluated 2026-02-03.

Conditions:
Mitochondrial complex II deficiency, nuclear type 1. Also called: SUCCINATE CoQ REDUCTASE DEFICIENCY. Identifiers: Orphanet 3208, MedGen C5700310, MONDO:0100294, OMIM 252011.
Pheochromocytoma/paraganglioma syndrome 5. Also called: Paragangliomas 5; SDHA-Related Hereditary Paraganglioma-Pheochromocytoma Syndrome. Identifiers: Orphanet 29072, MedGen C3279992, MONDO:0013602, OMIM 614165.
SDHA-related disorder. Also called: SDHA-related condition; SDHA-related disorders.
Hereditary cancer-predisposing syndrome. Also called: Hereditary Cancer Syndrome; Hereditary neoplastic syndrome; Neoplastic Syndromes, Hereditary; Tumor predisposition. Identifiers: Orphanet 140162, MedGen C0027672, MeSH D009386, MONDO:0015356.
Hereditary pheochromocytoma and paraganglioma. Also called: Hereditary Paraganglioma-Pheochromocytoma Syndromes; Hereditary pheochromocytoma-paraganglioma; Hereditary paragangliomas and pheochromocytomas. Identifiers: Orphanet 29072, MedGen C4274332, MONDO:0017366.
Leigh syndrome (NULS). Also called: Leigh's syndrome; LEIGH SYNDROME, NUCLEAR; Leigh's necrotizing encephalopathy; Leigh's disease; Leigh Syndrome (mtDNA deletion); Leigh Disease. Identifiers: Orphanet 506, MedGen C2931891, MONDO:0009723, OMIM 256000.

Allele frequency attached by ClinVar (database versions not stated): ESP Exome Variant Server 0.00008; gnomAD 0.00009; TOPMed 0.00015; 1000 Genomes Project 30x 0.00016; 1000 Genomes Project 0.00020; ExAC 0.00031.
gnomAD v4.1: 90 of 1,611,472 alleles (0.0056%); highest among the groups gnomAD compares: East Asian, 0.14%; no homozygotes.

Submissions (11):

Labcorp Genetics (formerly Invitae), Labcorp
Classification: Likely benign for Pheochromocytoma/paraganglioma syndrome 5; Mitochondrial complex II deficiency, nuclear type 1. Last evaluated: 2026-02-03. Review status: criteria provided, single submitter. Criteria: Invitae Variant Classification Sherloc (09022015). Collection method: clinical testing. Allele origin: germline.

GeneDx
Classification: Uncertain significance. Last evaluated: 2025-09-07. Review status: criteria provided, single submitter. Criteria: GeneDx Variant Classification Process June 2021. Collection method: clinical testing. Allele origin: germline. Affected: yes.
Comment: In silico analysis supports that this missense variant has a deleterious effect on protein structure/function; Observed in an individual with lung adenocarcinoma (PMID: 31721094); Published functional studies suggest the variant does not negatively impact function (PMID: 39321216); This variant is associated with the following publications: (PMID: 22904323, 21858060, 11423010, 7550341, 37742946, 39321216, 31721094)

Center for Genomic Medicine, Rigshospitalet, Copenhagen University Hospital
Classification: Uncertain significance. Last evaluated: 2025-03-04. Review status: criteria provided, single submitter. Criteria: ACMG Guidelines, 2015. Collection method: clinical testing. Allele origin: germline.

KCCC/NGS Laboratory, Kuwait Cancer Control Center
Classification: Likely benign for Pheochromocytoma/paraganglioma syndrome 5. Last evaluated: 2023-07-07. Review status: criteria provided, single submitter. Criteria: ACMG Guidelines, 2015. Collection method: clinical testing. Allele origin: germline. Affected: yes.

Myriad Genetics, Inc.
Classification: Uncertain significance for Pheochromocytoma/paraganglioma syndrome 5. Last evaluated: 2023-04-21. Review status: criteria provided, single submitter. Criteria: Myriad Autosomal Dominant, Autosomal Recessive and X-Linked Classification Criteria (2023). Collection method: clinical testing. Allele origin: unknown.
Comment: This variant is classified as a variant of uncertain significance as there is insufficient evidence to determine its impact on protein function and/or cancer risk.

Ambry Genetics
Classification: Likely benign for Hereditary cancer-predisposing syndrome. Last evaluated: 2018-07-17. Review status: criteria provided, single submitter. Criteria: Ambry Variant Classification Scheme 2023. Collection method: clinical testing. Allele origin: germline.

Illumina Laboratory Services, Illumina
Classification: Benign for Hereditary Paraganglioma-Pheochromocytoma Syndromes. Last evaluated: 2017-04-27. Review status: criteria provided, single submitter. Criteria: ICSL Variant Classification Criteria 13 December 2019. Collection method: clinical testing. Allele origin: germline.
Comment: This variant was observed as part of a predisposition screen in an ostensibly healthy population. A literature search was performed for the gene, cDNA change, and amino acid change (where applicable). No publications were found based on this search. Allele frequency data from public databases was too high to be consistent with this variant causing disease. Therefore, this variant is classified as benign.

Illumina Laboratory Services, Illumina
Classification: Uncertain significance for Mitochondrial complex II deficiency, nuclear type 1. Last evaluated: 2017-04-27. Review status: criteria provided, single submitter. Criteria: ICSL Variant Classification Criteria 13 December 2019. Collection method: clinical testing. Allele origin: germline.

Illumina Laboratory Services, Illumina
Classification: Uncertain significance for Leigh syndrome. Last evaluated: 2017-04-27. Review status: criteria provided, single submitter. Criteria: ICSL Variant Classification Criteria 13 December 2019. Collection method: clinical testing. Allele origin: germline.
Comment: This variant was observed as part of a predisposition screen in an ostensibly healthy population. A literature search was performed for the gene, cDNA change, and amino acid change (where applicable). Publications were found based on this search. However, the evidence from the literature, in combination with allele frequency data from public databases where available, was not sufficient to rule this variant in or out of causing disease. Therefore, this variant is classified as a variant of unknown significance.

PreventionGenetics, part of Exact Sciences
Classification: Likely benign for SDHA-related condition. Last evaluated: 2023-07-14. Review status: no assertion criteria provided. Collection method: clinical testing. Allele origin: germline. Not counted in ClinVar's aggregate classification.
Comment: This variant is classified as likely benign based on ACMG/AMP sequence variant interpretation guidelines (Richards et al. 2015 PMID: 25741868, with internal and published modifications).

Counsyl
Classification: Uncertain significance for Pheochromocytoma/paraganglioma syndrome 5. Last evaluated: 2018-04-17. Review status: no assertion criteria provided. Collection method: clinical testing. Allele origin: unknown. Not counted in ClinVar's aggregate classification.

Literature cited by the submitters: PubMed 7550341 (cited by Center for Genomic Medicine, Rigshospitalet, Copenhagen University Hospital); PubMed 11423010 (cited by Illumina Laboratory Services, Illumina); PubMed 22904323 (cited by Illumina Laboratory Services, Illumina); PubMed 21858060 (cited by Illumina Laboratory Services, Illumina).

NM_004168.4(SDHA):c.1661G>A (p.Arg554Gln)

Gene: SDHA (succinate dehydrogenase complex flavoprotein subunit A; plus strand). Cytogenetic location: 5p15.33.
Variant type: single nucleotide variant.
Coding change: c.1661G>A on transcript NM_004168.4 (MANE Select); coding-DNA position 1661, G replaced by A.
Protein change: p.Arg554Gln; replaces arginine 554 with glutamine.
Molecular consequence: missense variant. On other transcripts: intron variant (1).
Genome position (GRCh38, 1-based): chr5:251,101, G>A. VCF-style: chr5-251101-G-A. GRCh37 (hg19) VCF-style: chr5-251216-G-A.
Other names: c.1517G>A, p.Arg506Gln (NM_001294332.2); c.1552-3292G>A (NM_001330758.2); short protein forms R554Q, R506Q.
Identifiers: ClinVar variation 239655 (VCV000239655.32), dbSNP rs376391115, ClinGen allele CA3173313.